The following is an entry in ClinVar:

NM_006739.4(MCM5):c.1297G>A (p.Ala433Thr)

Gene: MCM5 (minichromosome maintenance complex component 5; plus strand). Cytogenetic location: 22q12.3.
Variant type: single nucleotide variant.
Coding change: c.1297G>A on transcript NM_006739.4 (MANE Select); coding-DNA position 1297, G replaced by A.
Protein change: p.Ala433Thr; replaces alanine 433 with threonine.
Molecular consequence: missense variant.
Genome position (GRCh38, 1-based): chr22:35,415,922, G>A. VCF-style: chr22-35415922-G-A. GRCh37 (hg19) VCF-style: chr22-35811915-G-A.
Other names: short protein forms A433T.
Identifiers: ClinVar variation 1471184 (VCV001471184.6), dbSNP rs199613883, ClinGen allele CA323493588.

ClinVar aggregate classification (germline): Uncertain significance (1 of 4 stars; one submission).

Allele frequency attached by ClinVar (database versions not stated): gnomAD exomes below 0.00001; gnomAD 0.00001; 1000 Genomes Project 30x 0.00016; 1000 Genomes Project 0.00020.
gnomAD v4.1: 1 of 1,614,192 alleles (0.000062%); highest among the groups gnomAD compares: East Asian, 0.0022%; no homozygotes.

Submission:

Labcorp Genetics (formerly Invitae), Labcorp
Classification: Uncertain significance. Last evaluated: 2022-07-26. Review status: criteria provided, single submitter. Criteria: Invitae Variant Classification Sherloc (09022015). Collection method: clinical testing. Allele origin: germline.
Comment: This variant is not present in population databases (gnomAD no frequency). In summary, the available evidence is currently insufficient to determine the role of this variant in disease. Therefore, it has been classified as a Variant of Uncertain Significance. Algorithms developed to predict the effect of missense changes on protein structure and function (SIFT, PolyPhen-2, Align-GVGD) all suggest that this variant is likely to be disruptive. ClinVar contains an entry for this variant (Variation ID: 1471184). This variant has not been reported in the literature in individuals affected with MCM5-related conditions. This sequence change replaces alanine, which is neutral and non-polar, with threonine, which is neutral and polar, at codon 433 of the MCM5 protein (p.Ala433Thr).